The following is an entry in ClinVar:

ClinVar aggregate classification (germline): Uncertain significance (1 of 4 stars; one submission).

gnomAD v4.1: 9 of 1,613,924 alleles (0.00056%); highest among the groups gnomAD compares: African/African-American, 0.012%; no homozygotes.

Submission:

Quest Diagnostics Nichols Institute San Juan Capistrano
Classification: Uncertain significance. Last evaluated: 2025-02-19. Review status: criteria provided, single submitter. Criteria: Quest Diagnostics criteria. Collection method: clinical testing. Allele origin: unknown.
Comment: The VWF c.7826T>G (p.Val2609Gly) variant has not been reported in individuals with VWF-related conditions in the published literature. The frequency of this variant in the general population (Genome Aggregation Database) is uninformative in the assessment of its pathogenicity. Analysis of this variant using bioinformatics tools for the prediction of the effect of amino acid changes on protein structure and function yielded predictions that this variant is benign. Based on the available information, we are unable to determine the clinical significance of this variant.

NM_000552.5(VWF):c.7826T>G (p.Val2609Gly)

Gene: VWF (von Willebrand factor; minus strand). Cytogenetic location: 12p13.31.
Variant type: single nucleotide variant.
Coding change: c.7826T>G on transcript NM_000552.5 (MANE Select); coding-DNA position 7826, T replaced by G.
Protein change: p.Val2609Gly; replaces valine 2609 with glycine.
Molecular consequence: missense variant.
Genome position (GRCh38, 1-based): chr12:5,967,547, A>C on the plus strand (T>G on the coding strand, the complement: VWF is on the minus strand). VCF-style: chr12-5967547-A-C. GRCh37 (hg19) VCF-style: chr12-6076713-A-C.
Other names: short protein forms V2609G.
Identifiers: ClinVar variation 4533023 (VCV004533023.1).